The following is an entry in ClinVar:

NM_014264.5(PLK4):c.1936A>G (p.Ile646Val)

Gene: PLK4 (polo like kinase 4; plus strand). Cytogenetic location: 4q28.1.
Variant type: single nucleotide variant.
Coding change: c.1936A>G on transcript NM_014264.5 (MANE Select); coding-DNA position 1936, A replaced by G.
Protein change: p.Ile646Val; replaces isoleucine 646 with valine.
Molecular consequence: missense variant.
Genome position (GRCh38, 1-based): chr4:127,891,579, A>G. VCF-style: chr4-127891579-A-G. GRCh37 (hg19) VCF-style: chr4-128812734-A-G.
Other names: c.1840A>G, p.Ile614Val (NM_001190799.2); c.1813A>G, p.Ile605Val (NM_001190801.2); c.1936A>G (NM_014264.4); short protein forms I605V, I614V, I646V.
Identifiers: ClinVar variation 1369079 (VCV001369079.7), dbSNP rs376727601, ClinGen allele CA3076910.

ClinVar aggregate classification (germline): Uncertain significance. Review status: criteria provided, multiple submitters, no conflicts (2 of 4 stars). 2 submissions from 2 submitters: Uncertain significance (2). Last evaluated 2025-12-15.

Conditions:
Inborn genetic diseases. Identifiers: MedGen C0950123, MeSH D030342.

Allele frequency attached by ClinVar (database versions not stated): gnomAD exomes 0.00001; ExAC 0.00002; gnomAD 0.00003 and 0.00004; TOPMed 0.00005; ESP Exome Variant Server 0.00008.
gnomAD v4.1: 13 of 1,438,408 alleles (0.0009%); highest among the groups gnomAD compares: African/African-American, 0.014%; no homozygotes.

Submissions (2):

Ambry Genetics
Classification: Uncertain significance for Inborn genetic diseases. Last evaluated: 2025-12-15. Review status: criteria provided, single submitter. Criteria: Ambry Variant Classification Scheme 2023. Collection method: clinical testing. Allele origin: germline.

Labcorp Genetics (formerly Invitae), Labcorp
Classification: Uncertain significance. Last evaluated: 2022-08-19. Review status: criteria provided, single submitter. Criteria: Invitae Variant Classification Sherloc (09022015). Collection method: clinical testing. Allele origin: germline.
Comment: In summary, the available evidence is currently insufficient to determine the role of this variant in disease. Therefore, it has been classified as a Variant of Uncertain Significance. Algorithms developed to predict the effect of sequence changes on RNA splicing suggest that this variant may create or strengthen a splice site. Algorithms developed to predict the effect of missense changes on protein structure and function output the following: SIFT: "Tolerated"; PolyPhen-2: "Benign"; Align-GVGD: "Class C0". The valine amino acid residue is found in multiple mammalian species, which suggests that this missense change does not adversely affect protein function. ClinVar contains an entry for this variant (Variation ID: 1369079). This variant has not been reported in the literature in individuals affected with PLK4-related conditions. This variant is present in population databases (rs376727601, gnomAD 0.02%). This sequence change replaces isoleucine, which is neutral and non-polar, with valine, which is neutral and non-polar, at codon 646 of the PLK4 protein (p.Ile646Val).